The following is an entry in ClinVar:

NC_000009.12:g.35657712G>A

Gene: RMRP (RNA component of mitochondrial RNA processing endoribonuclease; minus strand). Cytogenetic location: 9p13.3.
Variant type: single nucleotide variant.
Genome position: GRCh38 VCF-style: chr9-35657712-G-A. GRCh37 (hg19) VCF-style: chr9-35657709-G-A.
Identifiers: ClinVar variation 2057405 (VCV002057405.1), dbSNP rs866678717, ClinGen allele CA192745509.

ClinVar aggregate classification (germline): Uncertain significance (1 of 4 stars; one submission).

Conditions:
Anauxetic dysplasia. Identifiers: Orphanet 93347, MedGen C1846796, MONDO:0011773.

Allele frequency attached by ClinVar (database versions not stated): gnomAD 0.00009; TOPMed 0.00009.

Submission:

Labcorp Genetics (formerly Invitae), Labcorp
Classification: Uncertain significance for Anauxetic dysplasia. Last evaluated: 2022-11-01. Review status: criteria provided, single submitter. Criteria: Invitae Variant Classification Sherloc (09022015). Collection method: clinical testing. Allele origin: germline.
Comment: This variant occurs in the RMRP gene, which encodes an RNA molecule that does not result in a protein product. This variant is present in population databases (no rsID available, gnomAD 0.04%). This variant has not been reported in the literature in individuals affected with RMRP-related conditions. Experimental studies and prediction algorithms are not available or were not evaluated, and the functional significance of this variant is currently unknown. In summary, the available evidence is currently insufficient to determine the role of this variant in disease. Therefore, it has been classified as a Variant of Uncertain Significance.